The following is an entry in ClinVar:

NM_000466.3(PEX1):c.358-11G>C

Gene: PEX1 (peroxisomal biogenesis factor 1; minus strand). Cytogenetic location: 7q21.2.
Variant type: single nucleotide variant.
Coding change: c.358-11G>C on transcript NM_000466.3 (MANE Select); 11 bases into the intron before coding-DNA position 358, G replaced by C.
Molecular consequence: intron variant.
Genome position (GRCh38, 1-based): chr7:92,518,266, C>G on the plus strand (G>C on the coding strand, the complement: PEX1 is on the minus strand). VCF-style: chr7-92518266-C-G. GRCh37 (hg19) VCF-style: chr7-92147580-C-G.
Other names: p.?; c.358-11G>C (NM_001282677.2); c.-267-11G>C (NM_001282678.2).
Identifiers: ClinVar variation 256221 (VCV000256221.19), dbSNP rs113104510, ClinGen allele CA4341616.
Genomic context (GRCh38, chr7:92,518,266, plus strand): 5'-ATTCGAATTTGATCTAGAAGATGTTGTTCAAGGGAAACAGCATGCAGCTCCTAGAACCAA[C>G]AGACGAAAAGATCAATTCACTTTACATTTTGTCCACTCCATATCTAGTTAAAAAAAATCT-3'

ClinVar aggregate classification (germline): Benign. Review status: criteria provided, multiple submitters, no conflicts (2 of 4 stars). 9 submissions from 9 submitters: Benign (8). 1 of the submissions does not count toward it. Last evaluated 2026-02-04.

Conditions:
Zellweger spectrum disorders (ZS). Also called: Zellweger Spectrum Disorder; Zellweger Spectrum; Zellweger syndrome; Zellweger Spectrum Disorder (ZSD). Identifiers: Orphanet 912, MedGen C0043459, MONDO:0019609.
Peroxisome biogenesis disorder 1A (Zellweger) (PBD1A). Also called: Zellweger leukodystrophy; Peroxisome biogenesis disorder 1a. Identifiers: MedGen C4721541, MONDO:0008953, OMIM 214100.

Allele frequency attached by ClinVar (database versions not stated): 1000 Genomes Project 30x 0.03076; 1000 Genomes Project 0.03095; TOPMed 0.03831; gnomAD 0.04075 and 0.04153; ESP Exome Variant Server 0.04198.
gnomAD v4.1: 56,546 of 1,477,148 alleles (3.8%); highest among the groups gnomAD compares: African/African-American, 5.3%; 1,248 homozygotes.

Submissions (9):

Labcorp Genetics (formerly Invitae), Labcorp
Classification: Benign for Zellweger spectrum disorders. Last evaluated: 2026-02-04. Review status: criteria provided, single submitter. Criteria: Invitae Variant Classification Sherloc (09022015). Collection method: clinical testing. Allele origin: germline.

Blueprint Genetics
Classification: Benign. Last evaluated: 2024-11-27. Review status: criteria provided, single submitter. Criteria: ACMG Guidelines, 2015. Collection method: clinical testing. Allele origin: germline.

Mayo Clinic Laboratories, Mayo Clinic
Classification: Benign. Last evaluated: 2019-02-11. Review status: criteria provided, single submitter. Criteria: ACMG Guidelines, 2015. Collection method: clinical testing. Allele origin: germline. Observed: 28 variant alleles.

GeneDx
Classification: Benign. Last evaluated: 2018-06-13. Review status: criteria provided, single submitter. Criteria: GeneDx Variant Classification (06012015). Collection method: clinical testing. Allele origin: germline. Affected: yes.
Comment: This variant is considered likely benign or benign based on one or more of the following criteria: it is a conservative change, it occurs at a poorly conserved position in the protein, it is predicted to be benign by multiple in silico algorithms, and/or has population frequency not consistent with disease.

Illumina Laboratory Services, Illumina
Classification: Benign for Peroxisome biogenesis disorder 1A (Zellweger). Last evaluated: 2018-01-13. Review status: criteria provided, single submitter. Criteria: ICSL Variant Classification Criteria 13 December 2019. Collection method: clinical testing. Allele origin: germline.
Comment: This variant was observed in the ICSL laboratory as part of a predisposition screen in an ostensibly healthy population. It had not been previously curated by ICSL or reported in the Human Gene Mutation Database (HGMD: prior to June 1st, 2018), and was therefore a candidate for classification through an automated scoring system. Utilizing variant allele frequency, disease prevalence and penetrance estimates, and inheritance mode, an automated score was calculated to assess if this variant is too frequent to cause the disease. Based on the score and internal cut-off values, a variant classified as benign is not then subjected to further curation. The score for this variant resulted in a classification of benign for this disease.

Women's Health and Genetics/Laboratory Corporation of America, LabCorp
Classification: Benign. Last evaluated: 2017-01-23. Review status: criteria provided, single submitter. Criteria: LabCorp Variant Classification Summary - May 2015. Collection method: clinical testing. Allele origin: germline.
Comment: Variant summary: The PEX1 c.358-11G>C variant involves the alteration of a non-conserved intronic nucleotide. One in silico tool predicts a benign outcome for this variant. 5/5 splice prediction the strenghtening of a canonical splice acceptor site site. However, these predictions have yet to be confirmed by functional studies. This variant was found in 4339/121280 control chromosomes (85 homozygotes) at a frequency of 0.0357767, which is approximately 9 times the estimated maximal expected allele frequency of a pathogenic PEX1 variant (0.003873), suggesting this variant is likely a benign polymorphism. In addition, multiple clinical diagnostic laboratories/reputable databases classified this variant as benign/likely benign. The variant of interest has not, to our knowledge, been reported in affected individuals via publications nor evaluated for functional impact by in vivo/vitro studies. Taken together, this variant is classified as benign.

Breakthrough Genomics
Classification: Benign. Review status: criteria provided, single submitter. Criteria: ACMG Guidelines, 2015. Collection method: not provided. Allele origin: germline. Inheritance: Autosomal recessive inheritance. Affected: yes.

PreventionGenetics, part of Exact Sciences
Classification: Benign. Review status: criteria provided, single submitter. Criteria: ACMG Guidelines, 2015. Collection method: clinical testing. Allele origin: germline.

Natera, Inc.
Classification: Benign for Zellweger syndrome. Last evaluated: 2020-09-16. Review status: no assertion criteria provided. Collection method: clinical testing. Allele origin: germline. Not counted in ClinVar's aggregate classification.